The following is an entry in ClinVar:

ClinVar aggregate classification (germline): Uncertain significance (1 of 4 stars; one submission).

Conditions:
Primary ciliary dyskinesia 6. Also called: Primary Ciliary Dyskinesia 6: TXNDC3-Related Primary Ciliary Dyskinesia. Identifiers: Orphanet 244, MedGen C1970506, MONDO:0012571, OMIM 610852.

Allele frequency attached by ClinVar (database versions not stated): ExAC 0.00003; TOPMed 0.00003; gnomAD 0.00005; gnomAD exomes 0.00005; ESP Exome Variant Server 0.00016.

Submission:

Labcorp Genetics (formerly Invitae), Labcorp
Classification: Uncertain significance for Primary ciliary dyskinesia 6. Last evaluated: 2025-10-05. Review status: criteria provided, single submitter. Criteria: Invitae Variant Classification Sherloc (09022015). Collection method: clinical testing. Allele origin: germline.
Comment: This sequence change creates a premature translational stop signal (p.Pro147Thrfs*3) in the NME8 gene. It is expected to result in an absent or disrupted protein product. However, the current clinical and genetic evidence is not sufficient to establish whether loss-of-function variants in NME8 cause disease. This variant is present in population databases (rs778583824, gnomAD 0.004%). This variant has not been reported in the literature in individuals affected with NME8-related conditions. ClinVar contains an entry for this variant (Variation ID: 2964649). In summary, the available evidence is currently insufficient to determine the role of this variant in disease. Therefore, it has been classified as a Variant of Uncertain Significance.

NM_016616.5(NME8):c.438dup (p.Pro147fs)

Gene: NME8 (NME/NM23 family member 8; plus strand). Cytogenetic location: 7p14.1.
Variant type: Duplication.
Coding change: c.438dup on transcript NM_016616.5 (MANE Select); coding-DNA position 438, one base duplicated (A; older notation c.438dupA).
Protein change: p.Pro147fs; shifts the reading frame from proline 147.
Molecular consequence: frameshift variant.
Genome position (GRCh38, 1-based): chr7:37,863,446, A duplicated. VCF-style (leftmost placement, unchanged base first): chr7-37863445-C-CA. GRCh37 (hg19) VCF-style: chr7-37903047-C-CA.
Other names: short protein forms P147fs.
Identifiers: ClinVar variation 2964649 (VCV002964649.3), dbSNP rs778583824, ClinGen allele CA4222186.
Genomic context (GRCh38, chr7:37,863,445, plus strand): 5'-CTTTTTCATAGTATCCTGAAATTCCATTAGTAGACTCAGATTCAGAAGTTAGTGAAGAAT[C>CA]ACCATGTGAAAGTGTTCGTAAGTAAATTTACTTCAAAGTAATCCAAGGGTTTTCTGTACG-3'